The following is an entry in ClinVar:

ClinVar aggregate classification (germline): Uncertain significance (1 of 4 stars; one submission).

Allele frequency attached by ClinVar (database versions not stated): ExAC 0.00007; ESP Exome Variant Server 0.00008; 1000 Genomes Project 30x 0.00016.

Submission:

Labcorp Genetics (formerly Invitae), Labcorp
Classification: Uncertain significance. Last evaluated: 2025-12-06. Review status: criteria provided, single submitter. Criteria: Invitae Variant Classification Sherloc (09022015). Collection method: clinical testing. Allele origin: germline.
Comment: This sequence change falls in intron 17 of the VAV1 gene. It does not directly change the encoded amino acid sequence of the VAV1 protein. It affects a nucleotide within the consensus splice site. This variant is present in population databases (rs149610699, gnomAD 0.05%). This variant has not been reported in the literature in individuals affected with VAV1-related conditions. ClinVar contains an entry for this variant (Variation ID: 2906834). Variants that disrupt the consensus splice site are a relatively common cause of aberrant splicing (PMID: 17576681, 9536098). Algorithms developed to predict the effect of sequence changes on RNA splicing suggest that this variant may disrupt the consensus splice site. In summary, the available evidence is currently insufficient to determine the role of this variant in disease. Therefore, it has been classified as a Variant of Uncertain Significance.

Literature cited by the submitters: PubMed 17576681; PubMed 9536098.

NM_005428.4(VAV1):c.1708+5G>T

Gene: VAV1 (vav guanine nucleotide exchange factor 1; plus strand). Cytogenetic location: 19p13.3.
Variant type: single nucleotide variant.
Coding change: c.1708+5G>T on transcript NM_005428.4 (MANE Select); 5 bases into the intron after coding-DNA position 1708, G replaced by T.
Molecular consequence: intron variant.
Genome position (GRCh38, 1-based): chr19:6,833,630, G>T. VCF-style: chr19-6833630-G-T. GRCh37 (hg19) VCF-style: chr19-6833641-G-T.
Other names: c.1708+5G>T (NM_001258206.2); c.1612+5G>T (NM_001258207.2).
Identifiers: ClinVar variation 2906834 (VCV002906834.3), dbSNP rs149610699, ClinGen allele CA9132679.
Genomic context (GRCh38, chr19:6,833,630, plus strand): 5'-ATCTGCACACAAGGAGTGTCTGGGGAGGGTCCCTCCATGTGGCCGACATGGGCAAGGTAC[G>T]AGTGGGAGGGAGGCTGGGAGGTGAGCTTGGTTCTCTTTGGAGGATTTCCCGTTCTCACCA-3'